The following is an entry in ClinVar:

ClinVar aggregate classification (germline): Uncertain significance (1 of 4 stars; one submission).

Conditions:
Retinoblastoma (RB1). Also called: RETINOBLASTOMA, SOMATIC. Identifiers: Orphanet 790, MedGen C0035335, MeSH D012175, MONDO:0008380, OMIM 180200, HP:0009919. Disease mechanism: loss of function. Inheritance: Both sporadic and heritable forms are tested..

Submission:

Labcorp Genetics (formerly Invitae), Labcorp
Classification: Uncertain significance for Retinoblastoma. Last evaluated: 2024-05-16. Review status: criteria provided, single submitter. Criteria: Invitae Variant Classification Sherloc (09022015). Collection method: clinical testing. Allele origin: germline.
Comment: This sequence change replaces alanine, which is neutral and non-polar, with valine, which is neutral and non-polar, at codon 147 of the RB1 protein (p.Ala147Val). This variant is not present in population databases (gnomAD no frequency). This variant has not been reported in the literature in individuals affected with RB1-related conditions. Advanced modeling of protein sequence and biophysical properties (such as structural, functional, and spatial information, amino acid conservation, physicochemical variation, residue mobility, and thermodynamic stability) performed at Invitae indicates that this missense variant is not expected to disrupt RB1 protein function with a negative predictive value of 80%. In summary, the available evidence is currently insufficient to determine the role of this variant in disease. Therefore, it has been classified as a Variant of Uncertain Significance.

NM_000321.3(RB1):c.440C>T (p.Ala147Val)

Gene: RB1 (RB transcriptional corepressor 1; plus strand). Cytogenetic location: 13q14.2.
Variant type: single nucleotide variant.
Coding change: c.440C>T on transcript NM_000321.3 (MANE Select); coding-DNA position 440, C replaced by T.
Protein change: p.Ala147Val; replaces alanine 147 with valine.
Molecular consequence: missense variant.
Genome position (GRCh38, 1-based): chr13:48,345,139, C>T. VCF-style: chr13-48345139-C-T. GRCh37 (hg19) VCF-style: chr13-48919275-C-T.
Other names: c.440C>T, p.Ala147Val (NM_001407165.1, NM_001407166.1); short protein forms A147V.
Identifiers: ClinVar variation 2893837 (VCV002893837.3), dbSNP rs2138087498, ClinGen allele CA388252730.